The following is an entry in ClinVar:

ClinVar aggregate classification (germline): Pathogenic (1 of 4 stars; one submission).

Conditions:
Glycine encephalopathy. Also called: Non-ketotic hyperglycinemia; Nonketotic hyperglycinemia. Identifiers: Orphanet 407, MedGen C0751748, MONDO:0011612, HP:0008288.

Submission:

Labcorp Genetics (formerly Invitae), Labcorp
Classification: Pathogenic for Non-ketotic hyperglycinemia. Last evaluated: 2019-12-23. Review status: criteria provided, single submitter. Criteria: Invitae Variant Classification Sherloc (09022015). Collection method: clinical testing. Allele origin: germline.
Comment: This variant is a gross deletion of the genomic region encompassing exons 1-2 of the GLDC gene, which includes the initiator codon. The 5' end of this event is unknown as it extends beyond the assayed region for this gene and therefore may encompass additional genes. The 3' boundary is likely confined to intron 2 of the GLDC gene. This is expected to result in an absent or disrupted protein product. Similar deletions of exons 1 to 2 have been observed in individuals affected with glycine encephalopathy (non-ketotic hyperglycinemia) (PMID: 17361008). This finding is consistent with autosomal recessive inheritance, and suggests that this variant contributes to disease. Loss-of-function variants in GLDC are known to be pathogenic (PMID: 16601880). For these reasons, this variant has been classified as Pathogenic.

Literature cited by the submitters: PubMed 17361008.

NC_000009.12:g.(?_6644604)_(6645509_?)del

Gene: GLDC (glycine decarboxylase; minus strand). Cytogenetic location: 9p24.1.
Variant type: Deletion.
Identifiers: ClinVar variation 659612 (VCV000659612.2).